The following is an entry in ClinVar:

ClinVar aggregate classification (germline): Uncertain significance. Review status: criteria provided, multiple submitters, no conflicts (2 of 4 stars). 2 submissions from 2 submitters: Uncertain significance (2). Last evaluated 2026-01-16.

Conditions:
Retinitis pigmentosa (RP). Identifiers: Orphanet 791, MedGen C0035334, MeSH D012174, MONDO:0019200, OMIM 268000. Inheritance: Autosomal dominant, autosomal recessive and X linked inheritance.
KLHL7-related disorder. Also called: KLHL7-related disorders; KLHL7-related condition.

Allele frequency attached by ClinVar (database versions not stated): gnomAD exomes 0.00001.
gnomAD v4.1: 11 of 1,610,138 alleles (0.00068%); highest among the groups gnomAD compares: Middle Eastern, 0.033%; no homozygotes.

Submissions (2):

PreventionGenetics, part of Exact Sciences
Classification: Uncertain significance for KLHL7-related condition. Last evaluated: 2026-01-16. Review status: criteria provided, single submitter. Criteria: ACMG Guidelines, 2015. Collection method: clinical testing. Allele origin: germline.
Comment: The KLHL7 c.318-7T>C variant is predicted to interfere with splicing. To our knowledge, this variant has not been reported in the literature. This variant is reported in 0.0018% of alleles in individuals of European (Non-Finnish) descent in gnomAD. At this time, the clinical significance of this variant is uncertain due to the absence of conclusive functional and genetic evidence.

Illumina Laboratory Services, Illumina
Classification: Uncertain significance for Retinitis pigmentosa. Last evaluated: 2018-01-12. Review status: criteria provided, single submitter. Criteria: ICSL Variant Classification Criteria 13 December 2019. Collection method: clinical testing. Allele origin: germline.

NM_001031710.3(KLHL7):c.318-7T>C

Gene: KLHL7 (kelch like family member 7; plus strand). Cytogenetic location: 7p15.3.
Variant type: single nucleotide variant.
Coding change: c.318-7T>C on transcript NM_001031710.3 (MANE Select); 7 bases into the intron before coding-DNA position 318, T replaced by C.
Molecular consequence: intron variant.
Genome position (GRCh38, 1-based): chr7:23,125,041, T>C. VCF-style: chr7-23125041-T-C. GRCh37 (hg19) VCF-style: chr7-23164660-T-C.
Other names: c.318-7T>C (NM_001172428.2); c.174-7T>C (NM_018846.5).
Identifiers: ClinVar variation 359797 (VCV000359797.6), dbSNP rs886062217, ClinGen allele CA10628984.